The following is an entry in ClinVar:

NC_000003.11:g.(?_148847501)_(148888270_?)del

Genes: CP (ceruloplasmin; minus strand), HPS3 (HPS3 biogenesis of lysosomal organelles complex 2 subunit 1; plus strand). Cytogenetic location: 3q24.
Variant type: Deletion.
Identifiers: ClinVar variation 3247047 (VCV003247047.1).

ClinVar aggregate classification (germline): Pathogenic (1 of 4 stars; one submission).

Submission:

Labcorp Genetics (formerly Invitae), Labcorp
Classification: Pathogenic. Last evaluated: 2022-10-03. Review status: criteria provided, single submitter. Criteria: Invitae Variant Classification Sherloc (09022015). Collection method: clinical testing. Allele origin: unknown.
Comment: For these reasons, this variant has been classified as Pathogenic. This variant has not been reported in the literature in individuals affected with HPS3-related conditions. This variant is a gross deletion of the genomic region encompassing exon(s) 1-16 of the HPS3 gene, which includes the initiator codon. This deletion extends beyond the assayed region for this gene and therefore may encompass additional genes. It is expected to result in an absent or disrupted protein product. Loss-of-function variants in HPS3 are known to be pathogenic (PMID: 11590544).

Literature cited by the submitters: PubMed 11590544.